The following is an entry in ClinVar:

ClinVar aggregate classification (germline): Likely pathogenic (1 of 4 stars; one submission).

Conditions:
SOX9-related disorder. Also called: SOX9-related condition.

Submission:

PreventionGenetics, part of Exact Sciences
Classification: Likely pathogenic for SOX9-related condition. Last evaluated: 2023-04-11. Review status: criteria provided, single submitter. Criteria: ACMG Guidelines, 2015. Collection method: clinical testing. Allele origin: germline.
Comment: The SOX9 c.876_877delinsGTCA variant is predicted to result in a frameshift and premature protein termination (p.Asn292Lysfs*92). To our knowledge, this variant has not been reported in the literature or in a large population database, indicating this variant is rare. Frameshift variants in SOX9 are expected to be pathogenic. This variant is interpreted as likely pathogenic.

NM_000346.4(SOX9):c.876_877delinsGTCA (p.Asn292fs)

Gene: SOX9 (SRY-box transcription factor 9; plus strand). Cytogenetic location: 17q24.3.
Variant type: Indel.
Coding change: c.876_877delinsGTCA on transcript NM_000346.4 (MANE Select); coding-DNA positions 876 to 877, CG replaced by GTCA.
Protein change: p.Asn292fs; shifts the reading frame from asparagine 292.
Molecular consequence: frameshift variant.
Genome position (GRCh38, 1-based): chr17:72,123,733-72,123,734, CG replaced by GTCA. VCF-style: chr17-72123733-CG-GTCA. GRCh37 (hg19) VCF-style: chr17-70119874-CG-GTCA.
Other names: short protein forms N292fs.
Identifiers: ClinVar variation 2633508 (VCV002633508.1), dbSNP rs2509626122, ClinGen allele CA2695200333.